The following is an entry in ClinVar:

NM_000179.3(MSH6):c.98G>T (p.Arg33Leu)

Gene: MSH6 (mutS homolog 6; plus strand). Cytogenetic location: 2p16.3.
Variant type: single nucleotide variant.
Coding change: c.98G>T on transcript NM_000179.3 (MANE Select); coding-DNA position 98, G replaced by T.
Protein change: p.Arg33Leu; replaces arginine 33 with leucine.
Molecular consequence: missense variant. On other transcripts: 5 prime UTR variant (1).
Genome position (GRCh38, 1-based): chr2:47,783,331, G>T. VCF-style: chr2-47783331-G-T. GRCh37 (hg19) VCF-style: chr2-48010470-G-T.
Other names: c.98G>T, p.Arg33Leu (NM_001281492.2); c.-639G>T (NM_001281493.2); short protein forms R33L.
Identifiers: ClinVar variation 573535 (VCV000573535.14), dbSNP rs878853751, ClinGen allele CA346734830.

ClinVar aggregate classification (germline): Conflicting classifications of pathogenicity. Review status: criteria provided, conflicting classifications (1 of 4 stars). 3 submissions from 3 submitters: Uncertain significance (1); Likely benign (2). Last evaluated 2025-12-10.

Conditions:
Hereditary nonpolyposis colorectal neoplasms. Identifiers: MedGen C0009405, MeSH D003123.
Hereditary cancer-predisposing syndrome. Also called: Neoplastic Syndromes, Hereditary; Hereditary Cancer Syndrome; Tumor predisposition; Hereditary neoplastic syndrome. Identifiers: Orphanet 140162, MedGen C0027672, MeSH D009386, MONDO:0015356.

Allele frequency attached by ClinVar (database versions not stated): gnomAD exomes below 0.00001.
gnomAD v4.1: 3 of 1,609,888 alleles (0.00019%); highest among the groups gnomAD compares: Non-Finnish European, 0.00025%; no homozygotes.

Submissions (3):

Labcorp Genetics (formerly Invitae), Labcorp
Classification: Likely benign for Hereditary nonpolyposis colorectal neoplasms. Last evaluated: 2025-12-10. Review status: criteria provided, single submitter. Criteria: Invitae Variant Classification Sherloc (09022015). Collection method: clinical testing. Allele origin: germline.

Ambry Genetics
Classification: Likely benign for Hereditary cancer-predisposing syndrome. Last evaluated: 2025-06-24. Review status: criteria provided, single submitter. Criteria: Ambry Variant Classification Scheme 2023. Collection method: clinical testing. Allele origin: germline.

Color Diagnostics, LLC DBA Color Health
Classification: Uncertain significance for Hereditary cancer-predisposing syndrome. Last evaluated: 2023-05-05. Review status: criteria provided, single submitter. Criteria: ACMG Guidelines, 2015. Collection method: clinical testing. Allele origin: germline.
Comment: This missense variant replaces arginine with leucine at codon 33 of the MSH6 protein. Computational prediction suggests that this variant may not impact protein structure and function (internally defined REVEL score threshold <= 0.5, PMID: 27666373). To our knowledge, functional studies have not been reported for this variant. This variant has not been reported in individuals affected with MSH6-related disorders in the literature. This variant has been identified in 1/234218 chromosomes in the general population by the Genome Aggregation Database (gnomAD). The available evidence is insufficient to determine the role of this variant in disease conclusively. Therefore, this variant is classified as a Variant of Uncertain Significance.